The following is an entry in ClinVar:

NM_000260.4(MYO7A):c.6560G>T (p.Gly2187Val)

Gene: MYO7A (myosin VIIA; plus strand). Cytogenetic location: 11q13.5.
Variant type: single nucleotide variant.
Coding change: c.6560G>T on transcript NM_000260.4 (MANE Select); coding-DNA position 6560, G replaced by T.
Protein change: p.Gly2187Val; replaces glycine 2187 with valine.
Molecular consequence: missense variant.
Genome position (GRCh38, 1-based): chr11:77,214,608, G>T. VCF-style: chr11-77214608-G-T. GRCh37 (hg19) VCF-style: chr11-76925653-G-T.
Other names: c.6440G>T, p.Gly2147Val (NM_001127180.2); c.6413G>T, p.Gly2138Val (NM_001369365.1); short protein forms G2138V, G2147V, G2187V.
Identifiers: ClinVar variation 4689320 (VCV004689320.1).
Genomic context (GRCh38, chr11:77,214,608, plus strand): 5'-TCTGAGTGGCTGGCCCTGTCCCACCGTGTGCTCGCTTATCTTCTCACCCCTGCTTCCAGG[G>T]CTACAAGATGGATGACCTCCTGACTTCCTACATTAGCCAGATGCTCACAGCCATGAGCAA-3'
Protein context (NP_000251.3, residues 2177-2197): GSKLLCETSL[Gly2187Val]YKMDDLLTSY

ClinVar aggregate classification (germline): Uncertain significance (1 of 4 stars; one submission).

Submission:

Women's Health and Genetics/Laboratory Corporation of America, LabCorp
Classification: Uncertain significance. Last evaluated: 2026-01-16. Review status: criteria provided, single submitter. Criteria: LabCorp Variant Classification Summary - May 2015. Collection method: clinical testing. Allele origin: germline.
Comment: Variant summary: MYO7A c.6560G>T (p.Gly2187Val) results in a non-conservative amino acid change in the encoded protein sequence. Algorithms developed to predict the effect of missense changes on protein structure and function all suggest that this variant is likely to be disruptive. Consensus agreement among computation tools predict no significant impact on normal splicing. However, these predictions have yet to be confirmed by functional studies. The variant allele was found at a frequency of 1e-05 in 193940 control chromosomes. The available data on variant occurrences in the general population are insufficient to allow any conclusion about variant significance. To our knowledge, no occurrence of c.6560G>T in individuals affected with MYO7A-related conditions and no experimental evidence demonstrating its impact on protein function have been reported. No submitters have cited clinical-significance assessments for this variant to ClinVar. Based on the evidence outlined above, the variant was classified as uncertain significance.